The following is an entry in ClinVar:

ClinVar aggregate classification (germline): Pathogenic (1 of 4 stars; one submission).

Conditions:
Ataxia-telangiectasia syndrome (AT). Also called: ATAXIA-TELANGIECTASIA, COMPLEMENTATION GROUP A; ATAXIA-TELANGIECTASIA, FRESNO VARIANT; Ataxia-telangiectasia; Ataxia-telangiectasia, complementation group E; LOUIS-BAR SYNDROME; Cerebello-oculocutaneous telangiectasia. Identifiers: Orphanet 100, MedGen C0004135, MONDO:0008840, OMIM 208900.

Submission:

Labcorp Genetics (formerly Invitae), Labcorp
Classification: Pathogenic for Ataxia-telangiectasia syndrome. Last evaluated: 2022-04-08. Review status: criteria provided, single submitter. Criteria: Invitae Variant Classification Sherloc (09022015). Collection method: clinical testing. Allele origin: germline.
Comment: This variant is not present in population databases (gnomAD no frequency). This variant has not been reported in the literature in individuals affected with ATM-related conditions. For these reasons, this variant has been classified as Pathogenic. This sequence change creates a premature translational stop signal (p.Leu2563*) in the ATM gene. It is expected to result in an absent or disrupted protein product. Loss-of-function variants in ATM are known to be pathogenic (PMID: 23807571, 25614872).

Literature cited by the submitters: PubMed 23807571; PubMed 25614872.

NM_000051.4(ATM):c.7688T>A (p.Leu2563Ter)

Genes: ATM (ATM serine/threonine kinase; plus strand), C11orf65 (chromosome 11 open reading frame 65; minus strand). Cytogenetic location: 11q22.3.
Variant type: single nucleotide variant.
Coding change: c.7688T>A on transcript NM_000051.4 (MANE Select); coding-DNA position 7688, T replaced by A.
Protein change: p.Leu2563Ter; replaces leucine 2563 with a stop codon.
Molecular consequence: nonsense. On other transcripts: intron variant (2).
Genome position (GRCh38, 1-based): chr11:108,331,937, T>A. VCF-style: chr11-108331937-T-A. GRCh37 (hg19) VCF-style: chr11-108202664-T-A.
Other names: c.7688T>A, p.Leu2563Ter (NM_001351834.2); c.641-22866A>T (NM_001330368.2); c.*38+3283A>T (NM_001351110.2); short protein forms L2563*.
Identifiers: ClinVar variation 2122901 (VCV002122901.4), dbSNP rs2136520333, ClinGen allele CA382561009.